The following is an entry in ClinVar:

ClinVar aggregate classification (germline): Uncertain significance (1 of 4 stars; one submission).

Conditions:
Idiopathic generalized epilepsy. Also called: Generalised epilepsy; EIG. Identifiers: MedGen C0270850, MONDO:0005579, OMIM 600669.
Hyperaldosteronism, familial, type IV (HALD4). Also called: FH IV; ALDOSTERONISM, PRIMARY, AND HYPERTENSION. Identifiers: Orphanet 642671, MedGen C4310756, MONDO:0014875, OMIM 617027.

gnomAD v4.1: 1 of 1,597,986 alleles (0.000063%); highest among the groups gnomAD compares: Non-Finnish European, 0.000085%; no homozygotes.

Submission:

Labcorp Genetics (formerly Invitae), Labcorp
Classification: Uncertain significance for Idiopathic generalized epilepsy; Hyperaldosteronism, familial, type IV. Last evaluated: 2020-06-15. Review status: criteria provided, single submitter. Criteria: Invitae Variant Classification Sherloc (09022015). Collection method: clinical testing. Allele origin: germline.
Comment: This sequence change replaces aspartic acid with histidine at codon 1233 of the CACNA1H protein (p.Asp1233His). The aspartic acid residue is moderately conserved and there is a moderate physicochemical difference between aspartic acid and histidine. This variant is not present in population databases (ExAC no frequency). This variant has been observed in individual(s) with severe congenital amyotrophy (PMID: 31070086). This variant has been reported to affect CACNA1H protein function (PMID: 31070086). In summary, the available evidence is currently insufficient to determine the role of this variant in disease. Therefore, it has been classified as a Variant of Uncertain Significance.

Literature cited by the submitters: PubMed 31070086.

NM_021098.3(CACNA1H):c.3697G>C (p.Asp1233His)

Gene: CACNA1H (calcium voltage-gated channel subunit alpha1 H; plus strand). Cytogenetic location: 16p13.3.
Variant type: single nucleotide variant.
Coding change: c.3697G>C on transcript NM_021098.3 (MANE Select); coding-DNA position 3697, G replaced by C.
Protein change: p.Asp1233His; replaces aspartic acid 1233 with histidine.
Molecular consequence: missense variant.
Genome position (GRCh38, 1-based): chr16:1,209,365, G>C. VCF-style: chr16-1209365-G-C. GRCh37 (hg19) VCF-style: chr16-1259365-G-C.
Other names: c.3697G>C, p.Asp1233His (NM_001005407.2); short protein forms D1233H.
Identifiers: ClinVar variation 967547 (VCV000967547.9), dbSNP rs768716174, ClinGen allele CA394174449.